The following is an entry in ClinVar:

ClinVar aggregate classification (germline): Uncertain significance (1 of 4 stars; one submission).

Conditions:
Dystonia 12 (DYT12). Also called: Rapid-Onset Dystonia-Parkinsonism (RDP); DYT-ATP1A3. Identifiers: Orphanet 71517, MedGen C1868681, MONDO:0007496, OMIM 128235.

Submission:

Labcorp Genetics (formerly Invitae), Labcorp
Classification: Uncertain significance for Dystonia 12. Last evaluated: 2024-07-01. Review status: criteria provided, single submitter. Criteria: Invitae Variant Classification Sherloc (09022015). Collection method: clinical testing. Allele origin: germline.
Comment: This sequence change replaces cysteine, which is neutral and slightly polar, with tyrosine, which is neutral and polar, at codon 508 of the ATP1A3 protein (p.Cys508Tyr). This variant is not present in population databases (gnomAD no frequency). This variant has not been reported in the literature in individuals affected with ATP1A3-related conditions. Advanced modeling of protein sequence and biophysical properties (such as structural, functional, and spatial information, amino acid conservation, physicochemical variation, residue mobility, and thermodynamic stability) performed at Invitae indicates that this missense variant is expected to disrupt ATP1A3 protein function with a positive predictive value of 95%. In summary, the available evidence is currently insufficient to determine the role of this variant in disease. Therefore, it has been classified as a Variant of Uncertain Significance.

NM_152296.5(ATP1A3):c.1523G>A (p.Cys508Tyr)

Gene: ATP1A3 (ATPase Na+/K+ transporting subunit alpha 3; minus strand). Cytogenetic location: 19q13.2.
Variant type: single nucleotide variant.
Coding change: c.1523G>A on transcript NM_152296.5 (MANE Select); coding-DNA position 1523, G replaced by A.
Protein change: p.Cys508Tyr; replaces cysteine 508 with tyrosine.
Molecular consequence: missense variant.
Genome position (GRCh38, 1-based): chr19:41,978,713, C>T on the plus strand (G>A on the coding strand, the complement: ATP1A3 is on the minus strand). VCF-style: chr19-41978713-C-T. GRCh37 (hg19) VCF-style: chr19-42482865-C-T.
Other names: c.1556G>A, p.Cys519Tyr (NM_001256213.2); c.1562G>A, p.Cys521Tyr (NM_001256214.2); short protein forms C519Y, C521Y, C508Y.
Identifiers: ClinVar variation 3636266 (VCV003636266.2).